The following is an entry in ClinVar:

NM_173630.4(RTTN):c.578+15G>A

Gene: RTTN (rotatin; minus strand). Cytogenetic location: 18q22.2.
Variant type: single nucleotide variant.
Coding change: c.578+15G>A on transcript NM_173630.4 (MANE Select); 15 bases into the intron after coding-DNA position 578, G replaced by A.
Molecular consequence: intron variant.
Genome position (GRCh38, 1-based): chr18:70,199,399, C>T on the plus strand (G>A on the coding strand, the complement: RTTN is on the minus strand). VCF-style: chr18-70199399-C-T. GRCh37 (hg19) VCF-style: chr18-67866635-C-T.
Other names: c.-1976+15G>A (NM_001318520.2).
Identifiers: ClinVar variation 385626 (VCV000385626.10), dbSNP rs17808334, ClinGen allele CA8996442.

ClinVar aggregate classification (germline): Benign. Review status: criteria provided, multiple submitters, no conflicts (2 of 4 stars). 3 submissions from 3 submitters: Benign (3). Last evaluated 2026-02-04.

Allele frequency attached by ClinVar (database versions not stated): gnomAD 0.02041 and 0.02086; 1000 Genomes Project 0.02057; ESP Exome Variant Server 0.02081; TOPMed 0.02148; ExAC 0.02664; gnomAD exomes 0.02792; 1000 Genomes Project 30x 0.02030.
gnomAD v4.1: 37,304 of 1,557,142 alleles (2.4%); highest among the groups gnomAD compares: Admixed American, 5.3%; 597 homozygotes.

Submissions (3):

Labcorp Genetics (formerly Invitae), Labcorp
Classification: Benign. Last evaluated: 2026-02-04. Review status: criteria provided, single submitter. Criteria: Invitae Variant Classification Sherloc (09022015). Collection method: clinical testing. Allele origin: germline.

GeneDx
Classification: Benign. Last evaluated: 2016-05-23. Review status: criteria provided, single submitter. Criteria: GeneDx Variant Classification (06012015). Collection method: clinical testing. Allele origin: germline. Affected: yes.
Comment: This variant is considered likely benign or benign based on one or more of the following criteria: it is a conservative change, it occurs at a poorly conserved position in the protein, it is predicted to be benign by multiple in silico algorithms, and/or has population frequency not consistent with disease.

Breakthrough Genomics
Classification: Benign. Review status: criteria provided, single submitter. Criteria: ACMG Guidelines, 2015. Collection method: not provided. Allele origin: germline. Inheritance: Autosomal recessive inheritance. Affected: yes.